The following is an entry in ClinVar:

NM_004360.5(CDH1):c.833-20A>G

Gene: CDH1 (cadherin 1; plus strand). Cytogenetic location: 16q22.1.
Variant type: single nucleotide variant.
Coding change: c.833-20A>G on transcript NM_004360.5 (MANE Select); 20 bases into the intron before coding-DNA position 833, A replaced by G.
Molecular consequence: intron variant.
Genome position (GRCh38, 1-based): chr16:68,811,664, A>G. VCF-style: chr16-68811664-A-G. GRCh37 (hg19) VCF-style: chr16-68845567-A-G.
Other names: c.-783-20A>G (NM_001317185.2); c.-987-20A>G (NM_001317186.2); c.833-20A>G (NM_001317184.2, LRG_301t1).
Identifiers: ClinVar variation 385731 (VCV000385731.10), dbSNP rs1057521024, ClinGen allele CA16608238.

ClinVar aggregate classification (germline): Likely benign. Review status: criteria provided, multiple submitters, no conflicts (2 of 4 stars). 3 submissions from 3 submitters: Likely benign (3). Last evaluated 2025-05-28.

Conditions:
Hereditary diffuse gastric adenocarcinoma (HDGC). Also called: DIFFUSE GASTRIC AND LOBULAR BREAST CANCER SYNDROME. Identifiers: Orphanet 26106, MedGen C1708349, MONDO:0007648, OMIM 137215.

gnomAD v4.1: 2 of 1,612,788 alleles (0.00012%); highest among the groups gnomAD compares: Middle Eastern, 0.016%; no homozygotes.

Submissions (3):

Labcorp Genetics (formerly Invitae), Labcorp
Classification: Likely benign for Hereditary diffuse gastric adenocarcinoma. Last evaluated: 2025-05-28. Review status: criteria provided, single submitter. Criteria: Invitae Variant Classification Sherloc (09022015). Collection method: clinical testing. Allele origin: germline.

Myriad Genetics, Inc.
Classification: Likely benign for Hereditary diffuse gastric adenocarcinoma. Last evaluated: 2024-09-16. Review status: criteria provided, single submitter. Criteria: Myriad Autosomal Dominant, Autosomal Recessive and X-Linked Classification Criteria (2023). Collection method: clinical testing. Allele origin: unknown.
Comment: This variant is considered likely benign. This variant is intronic and is not expected to impact mRNA splicing.

GeneDx
Classification: Likely benign. Last evaluated: 2017-09-21. Review status: criteria provided, single submitter. Criteria: GeneDx Variant Classification (06012015). Collection method: clinical testing. Allele origin: germline. Affected: yes.
Comment: This variant is considered likely benign or benign based on one or more of the following criteria: it is a conservative change, it occurs at a poorly conserved position in the protein, it is predicted to be benign by multiple in silico algorithms, and/or has population frequency not consistent with disease.